The following is an entry in ClinVar:

ClinVar aggregate classification (germline): Benign/Likely benign. Review status: criteria provided, multiple submitters, no conflicts (2 of 4 stars). 4 submissions from 4 submitters: Benign (1); Likely benign (3). Last evaluated 2024-04-16.

Conditions:
Familial adenomatous polyposis 1 (FAP1). Also called: POLYPOSIS, ADENOMATOUS INTESTINAL; FAMILIAL ADENOMATOUS POLYPOSIS 1, ATTENUATED. Identifiers: MedGen C2713442, MONDO:0021056, OMIM 175100. Disease mechanism: loss of function.
Hereditary cancer-predisposing syndrome. Also called: Hereditary Cancer Syndrome; Neoplastic Syndromes, Hereditary; Tumor predisposition; Hereditary neoplastic syndrome. Identifiers: Orphanet 140162, MedGen C0027672, MeSH D009386, MONDO:0015356.

Submissions (4):

Myriad Genetics, Inc.
Classification: Benign for Familial adenomatous polyposis 1. Last evaluated: 2024-04-16. Review status: criteria provided, single submitter. Criteria: Myriad Autosomal Dominant, Autosomal Recessive and X-Linked Classification Criteria (2023). Collection method: clinical testing. Allele origin: unknown.
Comment: This variant is considered benign. This variant is a silent/synonymous amino acid change and it is not expected to impact splicing.

Labcorp Genetics (formerly Invitae), Labcorp
Classification: Likely benign for Familial adenomatous polyposis 1. Last evaluated: 2022-10-17. Review status: criteria provided, single submitter. Criteria: Invitae Variant Classification Sherloc (09022015). Collection method: clinical testing. Allele origin: germline.

Ambry Genetics
Classification: Likely benign for Hereditary cancer-predisposing syndrome. Last evaluated: 2022-08-17. Review status: criteria provided, single submitter. Criteria: Ambry Variant Classification Scheme 2023. Collection method: clinical testing. Allele origin: germline.

Color Diagnostics, LLC DBA Color Health
Classification: Likely benign for Hereditary cancer-predisposing syndrome. Last evaluated: 2017-04-03. Review status: criteria provided, single submitter. Criteria: ACMG Guidelines, 2015. Collection method: clinical testing. Allele origin: germline.

NM_000038.6(APC):c.8490T>C (p.Ser2830=)

Gene: APC (APC regulator of Wnt signaling pathway; plus strand). Cytogenetic location: 5q22.2.
Variant type: single nucleotide variant.
Coding change: c.8490T>C on transcript NM_000038.6 (MANE Select); coding-DNA position 8490, T replaced by C.
Protein change: p.Ser2830=; no amino-acid change (serine 2830 retained).
Molecular consequence: synonymous variant.
Genome position (GRCh38, 1-based): chr5:112,844,084, T>C. VCF-style: chr5-112844084-T-C. GRCh37 (hg19) VCF-style: chr5-112179781-T-C.
Other names: c.8490T>C, p.Ser2830= (NM_001127510.3, NM_001354895.2); c.8436T>C, p.Ser2812= (NM_001127511.3); c.8544T>C, p.Ser2848= (NM_001354896.2); c.8520T>C, p.Ser2840= (NM_001354897.2); c.8415T>C, p.Ser2805= (NM_001354898.2); c.8406T>C, p.Ser2802= (NM_001354899.2); c.8367T>C, p.Ser2789= (NM_001354900.2); c.8313T>C, p.Ser2771= (NM_001354901.2); and 5 more.
Identifiers: ClinVar variation 490376 (VCV000490376.17), dbSNP rs1554089197, ClinGen allele CA446211452.